The following is an entry in ClinVar:

NM_198317.3(KLHL17):c.417C>T (p.Asp139=)

Gene: KLHL17 (kelch like family member 17; plus strand). Cytogenetic location: 1p36.33.
Variant type: single nucleotide variant.
Coding change: c.417C>T on transcript NM_198317.3 (MANE Select); coding-DNA position 417, C replaced by T.
Protein change: p.Asp139=; no amino-acid change (aspartic acid 139 retained).
Molecular consequence: synonymous variant.
Genome position (GRCh38, 1-based): chr1:961,678, C>T. VCF-style: chr1-961678-C-T. GRCh37 (hg19) VCF-style: chr1-897058-C-T.
Identifiers: ClinVar variation 3388534 (VCV003388534.14).
Genomic context (GRCh38, chr1:961,678, plus strand): 5'-TGTCCCCGCAGATGAGATGAGCGAGAGCCGCCAGACCCACGTGACGCTGCACGACATCGA[C>T]CCTCAGGCCTTGGACCAGCTGGTGCAGTTTGCCTACACGGCTGAGATTGTGGTGGGCGAG-3'
Protein context (NP_938073.1, residues 129-149): RQTHVTLHDI[Asp139=]PQALDQLVQF

ClinVar aggregate classification (germline): Likely benign (1 of 4 stars; one submission).

gnomAD v4.1: 126 of 1,612,584 alleles (0.0078%); highest among the groups gnomAD compares: African/African-American, 0.028%; 2 homozygotes.

Submission:

CeGaT Center for Human Genetics Tuebingen
Classification: Likely benign. Last evaluated: 2024-10-01. Review status: criteria provided, single submitter. Criteria: CeGaT Center For Human Genetics Tuebingen Variant Classification Criteria Version 2. Collection method: clinical testing. Allele origin: germline. Affected: yes. Observed: 1 variant allele.
Comment: KLHL17: BP4, BP7